The following is an entry in ClinVar:

NM_002291.3(LAMB1):c.4837A>G (p.Ile1613Val)

Gene: LAMB1 (laminin subunit beta 1; minus strand). Cytogenetic location: 7q31.1.
Variant type: single nucleotide variant.
Coding change: c.4837A>G on transcript NM_002291.3 (MANE Select); coding-DNA position 4837, A replaced by G.
Protein change: p.Ile1613Val; replaces isoleucine 1613 with valine.
Molecular consequence: missense variant.
Genome position (GRCh38, 1-based): chr7:107,929,114, T>C on the plus strand (A>G on the coding strand, the complement: LAMB1 is on the minus strand). VCF-style: chr7-107929114-T-C. GRCh37 (hg19) VCF-style: chr7-107569559-T-C.
Other names: short protein forms I1613V.
Identifiers: ClinVar variation 4749523 (VCV004749523.1).

ClinVar aggregate classification (germline): Uncertain significance (1 of 4 stars; one submission).

gnomAD v4.1: 28 of 1,614,022 alleles (0.0017%); highest among the groups gnomAD compares: Non-Finnish European, 0.0019%; no homozygotes.

Submission:

Labcorp Genetics (formerly Invitae), Labcorp
Classification: Uncertain significance. Last evaluated: 2025-04-11. Review status: criteria provided, single submitter. Criteria: Invitae Variant Classification Sherloc (09022015). Collection method: clinical testing. Allele origin: germline.
Comment: This sequence change replaces isoleucine, which is neutral and non-polar, with valine, which is neutral and non-polar, at codon 1613 of the LAMB1 protein (p.Ile1613Val). This variant is present in population databases (rs776511343, gnomAD 0.01%). This variant has not been reported in the literature in individuals affected with LAMB1-related conditions. An algorithm developed to predict the effect of missense changes on protein structure and function (PolyPhen-2) suggests that this variant is likely to be tolerated. In summary, the available evidence is currently insufficient to determine the role of this variant in disease. Therefore, it has been classified as a Variant of Uncertain Significance.